The following is an entry in ClinVar:

NM_001377540.1(SLMAP):c.2138+175del

Gene: SLMAP (sarcolemma associated protein; plus strand). Cytogenetic location: 3p14.3.
Variant type: Deletion.
Coding change: c.2138+175del on transcript NM_001377540.1 (MANE Select); 175 bases into the intron after coding-DNA position 2138, one base deleted (T; older notation c.2138+175delT).
Molecular consequence: intron variant. On other transcripts: 3 prime UTR variant (1).
Genome position (GRCh38, 1-based): chr3:57,913,450, T deleted; the last of 10 consecutive T bases (chr3:57,913,441-57,913,450); deleting any one gives the same sequence. VCF-style (leftmost placement, unchanged base first): chr3-57913440-CT-C. GRCh37 (hg19) VCF-style: chr3-57899167-CT-C.
Other names: c.*108del (NM_001377928.1); c.2159+175del (NM_001377538.1); c.2138+175del (NM_001377539.1); c.2015+175del (NM_001377555.1); c.2075+175del (NM_001377545.1); c.1952+175del (NM_001377922.1); c.2087+175del (NM_001377541.1, NM_001304420.3, NM_001377542.1); c.1964+175del (NM_001377562.1, NM_001377921.1); and 9 more.
Identifiers: ClinVar variation 1810066 (VCV001810066.1), dbSNP rs951962730, ClinGen allele CA75413073.

ClinVar aggregate classification (germline): Likely benign (1 of 4 stars; one submission).

Submission:

GeneDx
Classification: Likely benign. Last evaluated: 2021-04-03. Review status: criteria provided, single submitter. Criteria: GeneDx Variant Classification Process June 2021. Collection method: clinical testing. Allele origin: germline. Affected: yes.
Comment: See Variant Classification Assertion Criteria.